The following is an entry in ClinVar:

NM_001243177.4(ALDOA):c.1029G>A (p.Lys343=)

Genes: ALDOA (aldolase, fructose-bisphosphate A; plus strand), LOC112694756 (uncharaterized LOC112694756; plus strand). Cytogenetic location: 16p11.2.
Variant type: single nucleotide variant.
Coding change: c.1029G>A on transcript NM_001243177.4 (MANE Select); coding-DNA position 1029, G replaced by A.
Protein change: p.Lys343=; no amino-acid change (lysine 343 retained).
Molecular consequence: synonymous variant. On other transcripts: 3 prime UTR variant (3).
Genome position (GRCh38, 1-based): chr16:30,069,897, G>A. VCF-style: chr16-30069897-G-A. GRCh37 (hg19) VCF-style: chr16-30081218-G-A.
Other names: c.*1376G>A (NM_001365304.2, NM_001365305.2, NM_001365307.2); c.867G>A, p.Lys289= (NM_001127617.2, NM_184041.5, NM_184043.2).
Identifiers: ClinVar variation 2196079 (VCV002196079.11), dbSNP rs772908246, ClinGen allele CA8001186.

ClinVar aggregate classification (germline): Likely benign. Review status: criteria provided, multiple submitters, no conflicts (2 of 4 stars). 2 submissions from 2 submitters: Likely benign (2). Last evaluated 2025-09-01.

Conditions:
HNSHA due to aldolase A deficiency (GSD12). Also called: GLYCOGEN STORAGE DISEASE XII; GSD XII; RED CELL ALDOLASE DEFICIENCY; Glycogen storage disease due to aldolase A deficiency. Identifiers: Orphanet 57, MedGen C0272066, MONDO:0012747, OMIM 611881.

Allele frequency attached by ClinVar (database versions not stated): TOPMed 0.00001; ExAC 0.00002; gnomAD exomes 0.00001.
gnomAD v4.1: 4 of 1,614,170 alleles (0.00025%); highest among the groups gnomAD compares: Admixed American, 0.0067%; no homozygotes.

Submissions (2):

CeGaT Center for Human Genetics Tuebingen
Classification: Likely benign. Last evaluated: 2025-09-01. Review status: criteria provided, single submitter. Criteria: CeGaT Center For Human Genetics Tuebingen Variant Classification Criteria Version 2. Collection method: clinical testing. Allele origin: germline. Affected: yes. Observed: 1 variant allele.
Comment: ALDOA: BP4, BP7

Labcorp Genetics (formerly Invitae), Labcorp
Classification: Likely benign for HNSHA due to aldolase A deficiency. Last evaluated: 2022-08-22. Review status: criteria provided, single submitter. Criteria: Invitae Variant Classification Sherloc (09022015). Collection method: clinical testing. Allele origin: germline.